The following is an entry in ClinVar:

NM_000393.5(COL5A2):c.2062G>A (p.Glu688Lys)

Gene: COL5A2 (collagen type V alpha 2 chain; minus strand). Cytogenetic location: 2q32.2.
Variant type: single nucleotide variant.
Coding change: c.2062G>A on transcript NM_000393.5 (MANE Select); coding-DNA position 2062, G replaced by A.
Protein change: p.Glu688Lys; replaces glutamic acid 688 with lysine.
Molecular consequence: missense variant.
Genome position (GRCh38, 1-based): chr2:189,060,753, C>T on the plus strand (G>A on the coding strand, the complement: COL5A2 is on the minus strand). VCF-style: chr2-189060753-C-T. GRCh37 (hg19) VCF-style: chr2-189925479-C-T.
Other names: short protein forms E688K.
Identifiers: ClinVar variation 1718758 (VCV001718758.6), dbSNP rs2469287996, ClinGen allele CA349877509.

ClinVar aggregate classification (germline): Uncertain significance (1 of 4 stars; one submission).

Conditions:
Ehlers-Danlos syndrome, classic type, 1 (EDSCL1). Also called: EDS I; Ehlers-Danlos syndrome, type 1; EHLERS-DANLOS SYNDROME, GRAVIS TYPE; EHLERS-DANLOS SYNDROME, SEVERE CLASSIC TYPE; Ehlers-Danlos Syndrome, Classic Type, COL5A1-Related. Identifiers: MedGen C0268335, MONDO:0019567, OMIM 130000.

Submission:

Labcorp Genetics (formerly Invitae), Labcorp
Classification: Uncertain significance for Ehlers-Danlos syndrome, classic type, 1. Last evaluated: 2025-12-08. Review status: criteria provided, single submitter. Criteria: Invitae Variant Classification Sherloc (09022015). Collection method: clinical testing. Allele origin: germline.
Comment: This sequence change replaces glutamic acid, which is acidic and polar, with lysine, which is basic and polar, at codon 688 of the COL5A2 protein (p.Glu688Lys). This variant is not present in population databases (gnomAD no frequency). This variant has not been reported in the literature in individuals affected with COL5A2-related conditions. ClinVar contains an entry for this variant (Variation ID: 1718758). Invitae Evidence Modeling of protein sequence and biophysical properties (such as structural, functional, and spatial information, amino acid conservation, physicochemical variation, residue mobility, and thermodynamic stability) indicates that this missense variant is not expected to disrupt COL5A2 protein function with a negative predictive value of 80%. In summary, the available evidence is currently insufficient to determine the role of this variant in disease. Therefore, it has been classified as a Variant of Uncertain Significance.